The following is an entry in ClinVar:

NM_000051.4(ATM):c.8461del (p.Met2821fs)

Genes: ATM (ATM serine/threonine kinase; plus strand), C11orf65 (chromosome 11 open reading frame 65; minus strand). Cytogenetic location: 11q22.3.
Variant type: Deletion.
Coding change: c.8461del on transcript NM_000051.4 (MANE Select); coding-DNA position 8461, one base deleted (A; older notation c.8461delA).
Protein change: p.Met2821fs; shifts the reading frame from methionine 2821.
Molecular consequence: frameshift variant. On other transcripts: intron variant (2).
Genome position (GRCh38, 1-based): chr11:108,345,785, A deleted. VCF-style (leftmost placement, unchanged base first): chr11-108345784-CA-C. GRCh37 (hg19) VCF-style: chr11-108216511-CA-C.
Other names: c.8461del, p.Met2821fs (NM_001351834.2); c.641-36714del (NM_001330368.2); c.695-10493del (NM_001351110.2); short protein forms M2821fs.
Identifiers: ClinVar variation 2736097 (VCV002736097.3), dbSNP rs2529703104, ClinGen allele CA2697558946.
Genomic context (GRCh38, chr11:108,345,784, plus strand): 5'-ATATATTCTCTATTTAAAGGAGGTGCAAAAAAAGTCTTTTGAAGAGAAATATGAAGTCTT[CA>C]TGGATGTTTGCCAAAATTTTCAACCAGTTTTCCGTTACTTCTGCATGGAAAAATTCTTGG-3'

ClinVar aggregate classification (germline): Pathogenic (1 of 4 stars; one submission).

Conditions:
Ataxia-telangiectasia syndrome (AT). Also called: LOUIS-BAR SYNDROME; Cerebello-oculocutaneous telangiectasia; Immunodeficiency with ataxia telangiectasia; Ataxia telangiectasia (A-T); Ataxia-telangiectasia, complementation group D; AT, COMPLEMENTATION GROUP C. Identifiers: Orphanet 100, MedGen C0004135, MONDO:0008840, OMIM 208900.

Submission:

Labcorp Genetics (formerly Invitae), Labcorp
Classification: Pathogenic for Ataxia-telangiectasia syndrome. Last evaluated: 2023-07-06. Review status: criteria provided, single submitter. Criteria: Invitae Variant Classification Sherloc (09022015). Collection method: clinical testing. Allele origin: germline.
Comment: This sequence change creates a premature translational stop signal (p.Met2821Trpfs*36) in the ATM gene. It is expected to result in an absent or disrupted protein product. Loss-of-function variants in ATM are known to be pathogenic (PMID: 23807571, 25614872). This variant is not present in population databases (gnomAD no frequency). This variant has not been reported in the literature in individuals affected with ATM-related conditions. For these reasons, this variant has been classified as Pathogenic.

Literature cited by the submitters: PubMed 23807571; PubMed 25614872.